The following is an entry in ClinVar:

NM_002880.4(RAF1):c.1551C>G (p.Ile517Met)

Gene: RAF1 (Raf-1 proto-oncogene, serine/threonine kinase; minus strand). Cytogenetic location: 3p25.2.
Variant type: single nucleotide variant.
Coding change: c.1551C>G on transcript NM_002880.4 (MANE Select); coding-DNA position 1551, C replaced by G.
Protein change: p.Ile517Met; replaces isoleucine 517 with methionine.
Molecular consequence: missense variant. On other transcripts: non-coding transcript variant (3).
Genome position (GRCh38, 1-based): chr3:12,585,239, G>C on the plus strand (C>G on the coding strand, the complement: RAF1 is on the minus strand). VCF-style: chr3-12585239-G-C. GRCh37 (hg19) VCF-style: chr3-12626738-G-C.
Other names: c.1611C>G, p.Ile537Met (NM_001354689.3); c.1551C>G, p.Ile517Met (NM_001354690.3); c.1308C>G, p.Ile436Met (NM_001354691.3, NM_001354692.3); c.1452C>G, p.Ile484Met (NM_001354693.3); c.1368C>G, p.Ile456Met (NM_001354694.3); c.1209C>G, p.Ile403Met (NM_001354695.3); short protein forms I403M, I436M, I456M, I484M, I517M, I537M.
Identifiers: ClinVar variation 1714499 (VCV001714499.5), dbSNP rs2058293361, ClinGen allele CA351497947.

ClinVar aggregate classification (germline): Uncertain significance (1 of 4 stars; one submission).

Conditions:
RASopathy. Also called: rasopathies; Noonan spectrum disorder. Identifiers: Orphanet 536391, MedGen C5555857, MONDO:0021060.

Submission:

Labcorp Genetics (formerly Invitae), Labcorp
Classification: Uncertain significance for RASopathy. Last evaluated: 2022-07-30. Review status: criteria provided, single submitter. Criteria: Invitae Variant Classification Sherloc (09022015). Collection method: clinical testing. Allele origin: germline.
Comment: In summary, the available evidence is currently insufficient to determine the role of this variant in disease. Therefore, it has been classified as a Variant of Uncertain Significance. Advanced modeling of protein sequence and biophysical properties (such as structural, functional, and spatial information, amino acid conservation, physicochemical variation, residue mobility, and thermodynamic stability) performed at Invitae indicates that this missense variant is expected to disrupt RAF1 protein function. This variant has not been reported in the literature in individuals affected with RAF1-related conditions. This variant is not present in population databases (gnomAD no frequency). This sequence change replaces isoleucine, which is neutral and non-polar, with methionine, which is neutral and non-polar, at codon 517 of the RAF1 protein (p.Ile517Met).